The following is an entry in ClinVar:

NM_032737.4(LMNB2):c.265-19C>T

Gene: LMNB2 (lamin B2; minus strand). Cytogenetic location: 19p13.3.
Variant type: single nucleotide variant.
Coding change: c.265-19C>T on transcript NM_032737.4 (MANE Select); 19 bases into the intron before coding-DNA position 265, C replaced by T.
Molecular consequence: intron variant.
Genome position (GRCh38, 1-based): chr19:2,444,559, G>A on the plus strand (C>T on the coding strand, the complement: LMNB2 is on the minus strand). VCF-style: chr19-2444559-G-A. GRCh37 (hg19) VCF-style: chr19-2444557-G-A.
Identifiers: ClinVar variation 445837 (VCV000445837.11), dbSNP rs199577453, ClinGen allele CA9067952.

ClinVar aggregate classification (germline): Conflicting classifications of pathogenicity. Review status: criteria provided, conflicting classifications (1 of 4 stars). 4 submissions from 4 submitters: Uncertain significance (2); Benign (1); Likely benign (1). Last evaluated 2026-02-02.

Conditions:
Progressive myoclonic epilepsy type 9. Identifiers: Orphanet 457265, MedGen C4225289, MONDO:0014685, OMIM 616540.
Lipodystrophy, partial, acquired, susceptibility to (APLD). Also called: APLD, SUSCEPTIBILITY TO. Identifiers: MedGen C3887501, MONDO:0100476, OMIM 608709.

Allele frequency attached by ClinVar (database versions not stated): gnomAD 0.00046; TOPMed 0.00054; gnomAD exomes 0.00057 and 0.00072; ExAC 0.00058; ESP Exome Variant Server 0.00077.
gnomAD v4.1: 1,125 of 1,606,298 alleles (0.07%); highest among the groups gnomAD compares: Middle Eastern, 0.13%; no homozygotes.

Submissions (4):

Labcorp Genetics (formerly Invitae), Labcorp
Classification: Benign for Progressive myoclonic epilepsy type 9; Lipodystrophy, partial, acquired, susceptibility to. Last evaluated: 2026-02-02. Review status: criteria provided, single submitter. Criteria: Invitae Variant Classification Sherloc (09022015). Collection method: clinical testing. Allele origin: germline.

Blueprint Genetics
Classification: Likely benign. Last evaluated: 2024-11-25. Review status: criteria provided, single submitter. Criteria: ACMG Guidelines, 2015. Collection method: clinical testing. Allele origin: germline.

Baylor Genetics
Classification: Uncertain significance for Progressive myoclonic epilepsy type 9. Last evaluated: 2018-04-27. Review status: criteria provided, single submitter. Criteria: ACMG Guidelines, 2015. Collection method: clinical testing. Allele origin: paternal. Affected: yes.
Comment: This variant was determined to be of uncertain significance according to ACMG Guidelines, 2015 [PMID:25741868].

Center for Pediatric Genomic Medicine, Children's Mercy Hospital and Clinics
Classification: Uncertain significance. Last evaluated: 2017-06-02. Review status: criteria provided, single submitter. Criteria: ACMG Guidelines, 2015. Collection method: clinical testing. Allele origin: germline.